The following continues an entry in ClinVar:

NM_007194.4(CHEK2):c.499G>A (p.Gly167Arg)

Gene: CHEK2. ClinVar aggregate classification (germline): Pathogenic/Likely pathogenic. Pathogenic (4); Likely pathogenic (23).

Submissions 15 to 26 of 30:

Women's Health and Genetics/Laboratory Corporation of America, LabCorp
Classification: Likely pathogenic for Malignant tumor of breast. Last evaluated: 2024-01-29. Review status: criteria provided, single submitter. Criteria: LabCorp Variant Classification Summary - May 2015. Collection method: clinical testing. Allele origin: germline.
Comment: Variant summary: CHEK2 c.499G>A (p.Gly167Arg) results in a non-conservative amino acid change located in the forkhead-associated (FHA) domain (IPR000253) of the encoded protein sequence. Five of five in-silico tools predict a damaging effect of the variant on protein function. The variant allele was found at a frequency of 2.4e-05 in 251424 control chromosomes (gnomAD). c.499G>A has been reported in the literature in multiple individuals affected with Breast Cancer, several of whom have strong family histories of breast cancer and/or other malignancies but where affected individuals were not available for genetic testing (e.g. Roeb_2012, Delimitsou_2019, Fostria_2020, Moradian_2021, Stolarova_2023). It has also been reported in individuals affected with prostate cancer (e.g. Dong_2003, Wu_2018), ovarian cancer (e.g. Carter_2018), and in the homozygous state in two unrelated individuals, one affected with multiple primary tumours and the other with early-onset leukaemia (Paperna_2020). There have also been reports of the variant in healthy controls or in unaffected family members, although in at least one case the individual was younger than the expected age of onset and in other cases the ages of these individuals were not always specified (e.g. Roeb_2012, Paperna_2020, Stolarova_2023). Multiple publications report experimental evidence evaluating an impact on protein function. Results from yeast-based assays (Roeb_2012, Delimitsou_2019), a mouse embryonic stem cell-based system (Boonen_2022), and CHEK2-complementation assays in human CHEK2-knockout cells (Stolarova_2023) all found the variant to be damaging, having no significant activity compared to negative controls. The following publications have been ascertained in the context of this evaluation (PMID: 34903604, 30322717, 30851065, 12533788, 31300551, 33558524, 30858171, 22419737, 37449874, 29520813). ClinVar contains an entry for this variant (Variation ID: 142524). Based on the evidence outlined above, the variant was classified as likely pathogenic.

Genetic Services Laboratory, University of Chicago
Classification: Pathogenic. Last evaluated: 2023-12-29. Review status: criteria provided, single submitter. Criteria: ACMG Guidelines, 2015. Collection method: clinical testing. Allele origin: germline. Affected: yes.
Comment: DNA sequence analysis of the CHEK2 gene demonstrated a sequence change, c.499G>A, in exon 4 that results in an amino acid change, p.Gly167Arg. The p.Gly167Arg change affects a highly conserved amino acid residue located in a domain of the CHEK2 protein that is known to be functional. The p.Gly167Arg substitution appears to be deleterious using several in-silico pathogenicity prediction tools (SIFT, PolyPhen2, Align GVGD, REVEL). This sequence change has previously been described in individuals with CHEK2-related cancers including breast cancer, ovarian cancer, and prostate cancer (PMID: 12533788, 15095295, 22419737, 25452411, 25503501, 26976419, 27616075, 30322717, 30980208, 31300551). In-vivo (yeast-based assay) has shown that this variant impacts CHEK2 function (PMID: 22419737). This sequence change has been described in the gnomAD database with an overall frequency of 0.0023% (dbSNP rs72552322). These collective evidences indicate that this sequence change is pathogenic.

Baylor Genetics
Classification: Likely pathogenic for Familial cancer of breast. Last evaluated: 2023-12-11. Review status: criteria provided, single submitter. Criteria: ACMG Guidelines, 2015. Collection method: clinical testing. Allele origin: unknown.

Myriad Genetics, Inc.
Classification: Likely pathogenic for Familial cancer of breast. Last evaluated: 2023-06-26. Review status: criteria provided, single submitter. Criteria: Myriad Autosomal Dominant, Autosomal Recessive and X-Linked Classification Criteria (2023). Collection method: clinical testing. Allele origin: unknown.
Comment: This variant is considered likely pathogenic. This variant is strongly associated with more severe personal and family histories of cancer, typical for individuals with pathogenic variants in this gene [PMID: 25085752].

KCCC/NGS Laboratory, Kuwait Cancer Control Center
Classification: Likely pathogenic for Familial cancer of breast. Last evaluated: 2023-05-30. Review status: criteria provided, single submitter. Criteria: ACMG Guidelines, 2015. Collection method: clinical testing. Allele origin: unknown. Inheritance: Autosomal dominant inheritance. Affected: no. Observed: 1 heterozygote.
Comment: a likely pathogenic variant was detected in the CHEK2 gene (c.499G>A). This sequence change replaces glycine, which is neutral and non-polar, with arginine, which is basic and polar, at codon 167 of the CHEK2 protein (p.Gly167Arg). This variant is present in population databases (rs72552322, gnomAD 0.006%). This missense change has been observed in individual(s) with breast cancer, ovarian cancer, and/or prostate cancer (PMID: 12533788, 15095295, 22419737, 25452411, 25503501, 26976419, 27616075, 30322717, 30980208, 31300551). It has also been observed to segregate with disease in related individuals. ClinVar contains an entry for this variant (Variation ID: 142524). Algorithms developed to predict the effect of missense changes on protein structure and function (SIFT, PolyPhen-2, Align-GVGD) all suggest that this variant is likely to be disruptive. Experimental studies have shown that this missense change affects CHEK2 function (PMID: 22419737). In summary, the currently available evidence indicates that the variant is pathogenic, but additional data are needed to prove that conclusively. Therefore, this variant has been classified as Likely Pathogenic. Pathogenic/Likely pathogenic variants in the CHEK2 gene are associated with breast cancer susceptibility (OMIM# 114480).

Institute for Genomic Medicine (IGM) Clinical Laboratory, Nationwide Children's Hospital
Classification: Likely pathogenic for CHEK2-related cancer predisposition. Last evaluated: 2023-03-01. Review status: criteria provided, single submitter. Criteria: ACMG Guidelines, 2015. Collection method: clinical testing. Allele origin: germline.
Comment: Well-established functional studies have demonstrated this variant to have a damaging effect on protein function or splicing (ACMG/AMP: PS3_Moderate; PMIDs:30851065, 22419737). This variant has been reported at an elevated frequency in affected individuals/in multiple affected individuals in the literature (ACMG/AMP: PS4_Moderate; PMIDs:22419737, 30851065, 12533788, 15095295, 30858171). This variant is absent from or present at an exceedingly low frequency in gnomAD, a large-scale control population database (ACMG/AMP: PM2). This variant is predicted to alter protein function or structure, or disrupt splicing by multiple in silico tools (ACMG/AMP: PP3).

St. Jude Molecular Pathology, St. Jude Children's Research Hospital
Classification: Likely pathogenic for Predisposition to cancer. Last evaluated: 2022-08-10. Review status: criteria provided, single submitter. Criteria: St. Jude Assertion Criteria 2020. Collection method: clinical testing. Allele origin: germline.
Comment: The CHEK2 c.499G>A (p.Gly167Arg) missense change has a maximum subpopulation frequency of 0.0065% in gnomAD v2.1.1. This variant has been reported in individuals with breast cancer, ovarian cancer, and/or prostate cancer and has been found to segregate with familial disease (PMID: 12533788, 15095295, 22419737, 27153395, 27616075, 28888541, 30322717, 33558524). The in silico tool REVEL predicts a deleterious effect on protein function, and functional studies are in agreement with this prediction. This variant was characterized as damaging in a yeast-based assay evaluating DNA damage response (PMID: 22419737, 30851065). In summary, this variant meets criteria to be classified as likely pathogenic.

Institute for Clinical Genetics, University Hospital TU Dresden, University Hospital TU Dresden
Classification: Likely pathogenic. Last evaluated: 2021-11-03. Review status: criteria provided, single submitter. Criteria: ACMG Guidelines, 2015. Collection method: clinical testing. Allele origin: germline.

Sema4
Classification: Likely pathogenic for Hereditary cancer-predisposing syndrome. Last evaluated: 2021-09-07. Review status: criteria provided, single submitter. Criteria: Sema4 Curation Guidelines. Collection method: curation. Allele origin: germline.
Comment: The CHEK2 c.499G>A (p.G167R) variant has been reported in heterozygosity in numerous individuals with breast cancer (including females and males), prostate cancer, and ovarian cancer (PMID: 33471991, 12533788, 15095295, 22419737, 27153395, 27616075, 28486781, 30322717, 29335925, 29520813, 32658311, 32906215, 31300551, 33925588, 34433815). It has also been reported in two homozygous individuals with multiple primary tumors and leukemia (PMID: 30858171), and has been identified in several early onset breast cancer patients who are compound heterozygous for another CHEK2 pathogenic variant (PMID: 22419737, 32906215). Functional studies in yeast have shown that this variant impairs DNA damage response (PMID: 30851065, 22419737), and in silico tools suggest the impact of the variant on protein function is deleterious. This variant was observed in 2/30612 chromosomes in the South Asian population according to the Genome Aggregation Database (PMID: 32461654). This variant has been reported in ClinVar (Variation ID: 142524). Based on the current evidence available, this variant is interpreted as likely pathogenic.

PreventionGenetics, part of Exact Sciences
Classification: Likely pathogenic. Last evaluated: 2020-05-08. Review status: criteria provided, single submitter. Criteria: ACMG Guidelines, 2015. Collection method: clinical testing. Allele origin: germline.

GeneKor MSA
Classification: Likely pathogenic for Hereditary cancer-predisposing syndrome. Last evaluated: 2020-01-01. Review status: criteria provided, single submitter. Criteria: ACMG Guidelines, 2015. Collection method: clinical testing. Allele origin: germline. Affected: yes.
Comment: This is a missense variant, substituting Glycine with Arginine in the position 167 of the CHEK2 protein. This particular glycine is highily conserved and located in a known functional domain (FHA - Forkhead-associated), while the physiochemical difference between Arginine and Glycine is high(Grantham Score 125). This finding has been reported in literature in breast cancer patients (PMID: 26976419 , PMID: 25503501) and in healthy individuals with family history of breast cancer (PMID: 26845104). The mutation database ClinVar contains entries for this variant (Variation ID: 142524/). The mutation is also present at low frequency in population databases (rs72552322, ExAC 0.006%). Furthermore, in silico and functional analysis indicate that the variant has an effect on the function or structure of the protein (PMID: 22419737 ).

Institute of Human Genetics, University of Leipzig Medical Center
Classification: Likely pathogenic for Familial cancer of breast. Last evaluated: 2019-05-06. Review status: criteria provided, single submitter. Criteria: ACMG Guidelines, 2015. Collection method: clinical testing. Allele origin: germline. Affected: yes. Observed: 1 variant allele.